The following is an entry in ClinVar:

NM_001205019.2(GK):c.273C>G (p.Ser91Arg)

Gene: GK (glycerol kinase; plus strand). Cytogenetic location: Xp21.2.
Variant type: single nucleotide variant.
Coding change: c.273C>G on transcript NM_001205019.2 (MANE Select); coding-DNA position 273, C replaced by G.
Protein change: p.Ser91Arg; replaces serine 91 with arginine.
Molecular consequence: missense variant. On other transcripts: non-coding transcript variant (7).
Genome position (GRCh38, 1-based): chrX:30,677,388, C>G. VCF-style: chrX-30677388-C-G. GRCh37 (hg19) VCF-style: chrX-30695505-C-G.
Other names: c.273C>G, p.Ser91Arg (NM_000167.6, NM_001128127.3, NM_001399987.1 and 1 more transcripts); short protein forms S91R.
Identifiers: ClinVar variation 3376108 (VCV003376108.1).

ClinVar aggregate classification (germline): Uncertain significance (1 of 4 stars; one submission).

Submission:

GeneDx
Classification: Uncertain significance. Last evaluated: 2024-05-08. Review status: criteria provided, single submitter. Criteria: GeneDx Variant Classification Process June 2021. Collection method: clinical testing. Allele origin: germline. Affected: yes.
Comment: Not observed at significant frequency in large population cohorts (gnomAD); In silico analysis indicates that this missense variant does not alter protein structure/function; Has not been previously published as pathogenic or benign to our knowledge